The following is an entry in ClinVar:

NM_006648.4(WNK2):c.2309G>A (p.Gly770Glu)

Gene: WNK2 (WNK lysine deficient protein kinase 2; plus strand). Cytogenetic location: 9q22.31.
Variant type: single nucleotide variant.
Coding change: c.2309G>A on transcript NM_006648.4 (MANE Select); coding-DNA position 2309, G replaced by A.
Protein change: p.Gly770Glu; replaces glycine 770 with glutamic acid.
Molecular consequence: missense variant.
Genome position (GRCh38, 1-based): chr9:93,257,066, G>A. VCF-style: chr9-93257066-G-A. GRCh37 (hg19) VCF-style: chr9-96019348-G-A.
Other names: c.2309G>A, p.Gly770Glu (NM_001282394.3); short protein forms G770E.
Identifiers: ClinVar variation 4844906 (VCV004844906.1).

ClinVar aggregate classification (germline): Uncertain significance (1 of 4 stars; one submission).

Submission:

Ambry Genetics
Classification: Uncertain significance. Last evaluated: 2026-02-16. Review status: criteria provided, single submitter. Criteria: Ambry Variant Classification Scheme 2023. Collection method: clinical testing. Allele origin: germline.
Comment: The p.G770E variant (also known as c.2309G>A), located in coding exon 10 of the WNK2 gene, results from a G to A substitution at nucleotide position 2309. The glycine at codon 770 is replaced by glutamic acid, an amino acid with similar properties. This amino acid position is conserved. In addition, this alteration is predicted to be tolerated by in silico analysis. Based on the available evidence, the clinical significance of this variant remains unclear.